The following is an entry in ClinVar:

NM_024503.5(HIVEP3):c.927C>T (p.Ser309=)

Gene: HIVEP3 (HIVEP zinc finger 3; minus strand). Cytogenetic location: 1p34.2.
Variant type: single nucleotide variant.
Coding change: c.927C>T on transcript NM_024503.5 (MANE Select); coding-DNA position 927, C replaced by T.
Protein change: p.Ser309=; no amino-acid change (serine 309 retained).
Molecular consequence: synonymous variant.
Genome position (GRCh38, 1-based): chr1:41,583,871, G>A on the plus strand (C>T on the coding strand, the complement: HIVEP3 is on the minus strand). VCF-style: chr1-41583871-G-A. GRCh37 (hg19) VCF-style: chr1-42049542-G-A.
Other names: c.927C>T, p.Ser309= (NM_001127714.3); c.927C>T (NM_024503.4).
Identifiers: ClinVar variation 788505 (VCV000788505.7), dbSNP rs35798350, ClinGen allele CA798351.

ClinVar aggregate classification (germline): Benign. Review status: criteria provided, multiple submitters, no conflicts (2 of 4 stars). 3 submissions from 3 submitters: Benign (2). 1 of the submissions does not count toward it. Last evaluated 2019-12-31.

Conditions:
HIVEP3-related disorder. Also called: HIVEP3-related condition.

Allele frequency attached by ClinVar (database versions not stated): ExAC 0.00742; gnomAD 0.02321 and 0.02489; ESP Exome Variant Server 0.02453; gnomAD exomes 0.00587; TOPMed 0.02580; 1000 Genomes Project 0.02915; 1000 Genomes Project 30x 0.03061.
gnomAD v4.1: 6,963 of 1,613,530 alleles (0.43%); highest among the groups gnomAD compares: African/African-American, 8.2%; 257 homozygotes.

Submissions (3):

Labcorp Genetics (formerly Invitae), Labcorp
Classification: Benign. Last evaluated: 2019-12-31. Review status: criteria provided, single submitter. Criteria: Invitae Variant Classification Sherloc (09022015). Collection method: clinical testing. Allele origin: germline.

Breakthrough Genomics
Classification: Benign. Review status: criteria provided, single submitter. Criteria: ACMG Guidelines, 2015. Collection method: not provided. Allele origin: germline. Inheritance: Unknown mechanism. Affected: yes.

PreventionGenetics, part of Exact Sciences
Classification: Benign for HIVEP3-related condition. Last evaluated: 2019-03-04. Review status: no assertion criteria provided. Collection method: clinical testing. Allele origin: germline. Not counted in ClinVar's aggregate classification.
Comment: This variant is classified as benign based on ACMG/AMP sequence variant interpretation guidelines (Richards et al. 2015 PMID: 25741868, with internal and published modifications).